The following is an entry in ClinVar:

NM_000219.6(KCNE1):c.63T>A (p.Val21=)

Gene: KCNE1 (potassium voltage-gated channel subfamily E regulatory subunit 1; minus strand). Cytogenetic location: 21q22.12.
Variant type: single nucleotide variant.
Coding change: c.63T>A on transcript NM_000219.6 (MANE Select); coding-DNA position 63, T replaced by A.
Protein change: p.Val21=; no amino-acid change (valine 21 retained).
Molecular consequence: synonymous variant.
Genome position (GRCh38, 1-based): chr21:34,449,572, A>T on the plus strand (T>A on the coding strand, the complement: KCNE1 is on the minus strand). VCF-style: chr21-34449572-A-T. GRCh37 (hg19) VCF-style: chr21-35821870-A-T.
Other names: c.63T>A, p.Val21= (NM_001127668.4, NM_001127669.4, NM_001127670.4 and 4 more transcripts).
Identifiers: ClinVar variation 3373944 (VCV003373944.2).

Conditions:
Long QT syndrome 5 (LQT5). Identifiers: Orphanet 101016, Orphanet 768, MedGen C1867904, MONDO:0013372, OMIM 613695.

Submission:

Roden Lab, Vanderbilt University Medical Center
No classification provided (evidence only). Condition: Long QT syndrome 5. Review status: no classification provided. Collection method: in vitro. Allele origin: not applicable. Functional consequence: Effect on ion channel function.
ClinVar note: "not provided" was previously submitted as the classification for the variant. However, the classification appeared to be based only on an observation of functional data so it was converted to no classification on 2025-07-30.